The following is an entry in ClinVar:

NM_001005242.3(PKP2):c.568G>A (p.Val190Met)

Gene: PKP2 (plakophilin 2; minus strand). Cytogenetic location: 12p11.21.
Variant type: single nucleotide variant.
Coding change: c.568G>A on transcript NM_001005242.3 (MANE Select); coding-DNA position 568, G replaced by A.
Protein change: p.Val190Met; replaces valine 190 with methionine.
Molecular consequence: missense variant.
Genome position (GRCh38, 1-based): chr12:32,878,312, C>T on the plus strand (G>A on the coding strand, the complement: PKP2 is on the minus strand). VCF-style: chr12-32878312-C-T. GRCh37 (hg19) VCF-style: chr12-33031246-C-T.
Other names: c.568G>A, p.Val190Met (NM_004572.4); short protein forms V190M.
Identifiers: ClinVar variation 1332248 (VCV001332248.3), dbSNP rs772384894, ClinGen allele CA384364361.

ClinVar aggregate classification (germline): Uncertain significance (1 of 4 stars; one submission).

Conditions:
Cardiomyopathy (CMYO). Also called: Cardiomyopathies. Identifiers: Orphanet 167848, MedGen C0878544, MONDO:0004994, HP:0001638. Inheritance: Various modes of inheritance.

gnomAD v4.1: 2 of 1,612,532 alleles (0.00012%); highest among the groups gnomAD compares: East Asian, 0.0045%; no homozygotes.

Submission:

Color Diagnostics, LLC DBA Color Health
Classification: Uncertain significance for Cardiomyopathy. Last evaluated: 2024-03-06. Review status: criteria provided, single submitter. Criteria: ACMG Guidelines, 2015. Collection method: clinical testing. Allele origin: germline.
Comment: This missense variant replaces valine with methionine at codon 190 of the PKP2 protein. Computational prediction suggests that this variant may not impact protein structure and function (internally defined REVEL score threshold <= 0.5, PMID: 27666373). To our knowledge, functional studies have not been reported for this variant. This variant has not been reported in individuals affected with cardiovascular disorders in the literature. This variant has not been identified in the general population by the Genome Aggregation Database (gnomAD). The available evidence is insufficient to determine the role of this variant in disease conclusively. Therefore, this variant is classified as a Variant of Uncertain Significance.